The following is an entry in ClinVar:

NM_006005.3(WFS1):c.2033G>A (p.Trp678Ter)

Gene: WFS1 (wolframin ER transmembrane glycoprotein; plus strand). Cytogenetic location: 4p16.1.
Variant type: single nucleotide variant.
Coding change: c.2033G>A on transcript NM_006005.3 (MANE Select); coding-DNA position 2033, G replaced by A.
Protein change: p.Trp678Ter; replaces tryptophan 678 with a stop codon.
Molecular consequence: nonsense.
Genome position (GRCh38, 1-based): chr4:6,301,828, G>A. VCF-style: chr4-6301828-G-A. GRCh37 (hg19) VCF-style: chr4-6303555-G-A.
Other names: c.2033G>A, p.Trp678Ter (NM_001145853.1); short protein forms W678*.
Identifiers: ClinVar variation 3031401 (VCV003031401.4), dbSNP rs2474195730, ClinGen allele CA356177566.

ClinVar aggregate classification (germline): Pathogenic/Likely pathogenic. Review status: criteria provided, multiple submitters, no conflicts (2 of 4 stars). 3 submissions from 3 submitters: Pathogenic (1); Likely pathogenic (1). 1 of the submissions does not count toward it. Last evaluated 2025-11-14.

Conditions:
Monogenic hearing loss.
WFS1-related disorder. Identifiers: MedGen CN379391, MONDO:0700293.

Allele frequency attached by ClinVar (database versions not stated): gnomAD exomes 0.00001.
gnomAD v4.1: 10 of 1,613,218 alleles (0.00062%); highest among the groups gnomAD compares: South Asian, 0.0011%; no homozygotes.

Submissions (3):

Genetics Laboratory, Great Ormond Street Hospital NHS Foundation Trust, North Thames Genomic Laboratory Hub
Classification: Likely pathogenic for Monogenic hearing loss. Last evaluated: 2025-11-14. Review status: criteria provided, single submitter. Criteria: ACGS Best Practice Guidelines for Variant Classification in Rare Disease 2024 v1.2. Collection method: clinical testing. Allele origin: germline. Affected: yes.
Comment: PM2_moderate, PVS1_strong, PM3_supporting

Blueprint Genetics
Classification: Pathogenic for WFS1-related disorders. Last evaluated: 2019-12-12. Review status: criteria provided, single submitter. Criteria: ACMG Guidelines, 2015. Collection method: clinical testing. Allele origin: germline. Affected: yes. Observed: 1 variant allele.

PreventionGenetics, part of Exact Sciences
Classification: Pathogenic for WFS1-related condition. Last evaluated: 2024-02-07. Review status: no assertion criteria provided. Collection method: clinical testing. Allele origin: germline. Not counted in ClinVar's aggregate classification.
Comment: The WFS1 c.2033G>A variant is predicted to result in premature protein termination (p.Trp678*). This variant was reported along with a second truncating variant in two siblings with Wolfram syndrome (Astuti et al. 2017. PubMed ID: 28432734). This variant has not been reported in a large population database, indicating this variant is rare. Nonsense variants in WFS1 are expected to be pathogenic. This variant is interpreted as pathogenic.